The following is an entry in ClinVar:

NM_001349253.2(SCN11A):c.3813+10T>C

Gene: SCN11A (sodium voltage-gated channel alpha subunit 11; minus strand). Cytogenetic location: 3p22.2.
Variant type: single nucleotide variant.
Coding change: c.3813+10T>C on transcript NM_001349253.2 (MANE Select); 10 bases into the intron after coding-DNA position 3813, T replaced by C.
Molecular consequence: intron variant.
Genome position (GRCh38, 1-based): chr3:38,870,681, A>G on the plus strand (T>C on the coding strand, the complement: SCN11A is on the minus strand). VCF-style: chr3-38870681-A-G. GRCh37 (hg19) VCF-style: chr3-38912172-A-G.
Other names: c.3813+10T>C (NM_014139.3).
Identifiers: ClinVar variation 3029941 (VCV003029941.2), dbSNP rs2065111271, ClinGen allele CA1358706552.

ClinVar aggregate classification (germline): Likely benign (0 of 4 stars; one submission).

Conditions:
SCN11A-related disorder. Also called: SCN11A-related condition.

Allele frequency attached by ClinVar (database versions not stated): TOPMed 0.00001.

Submission:

PreventionGenetics, part of Exact Sciences
Classification: Likely benign for SCN11A-related condition. Last evaluated: 2021-02-01. Review status: no assertion criteria provided. Collection method: clinical testing. Allele origin: germline.
Comment: This variant is classified as likely benign based on ACMG/AMP sequence variant interpretation guidelines (Richards et al. 2015 PMID: 25741868, with internal and published modifications).